The following is an entry in ClinVar:

NM_033419.5(PGAP3):c.919C>G (p.Leu307Val)

Gene: PGAP3 (post-GPI attachment to proteins phospholipase 3; minus strand). Cytogenetic location: 17q12.
Variant type: single nucleotide variant.
Coding change: c.919C>G on transcript NM_033419.5 (MANE Select); coding-DNA position 919, C replaced by G.
Protein change: p.Leu307Val; replaces leucine 307 with valine.
Molecular consequence: missense variant. On other transcripts: 3 prime UTR variant (1).
Genome position (GRCh38, 1-based): chr17:39,672,847, G>C on the plus strand (C>G on the coding strand, the complement: PGAP3 is on the minus strand). VCF-style: chr17-39672847-G-C. GRCh37 (hg19) VCF-style: chr17-37829100-G-C.
Other names: c.766C>G, p.Leu256Val (NM_001291726.2); c.856C>G, p.Leu286Val (NM_001291728.2); c.577C>G, p.Leu193Val (NM_001291730.2); c.514C>G, p.Leu172Val (NM_001291732.2); c.*5C>G (NM_001291733.2); c.919C>G (NM_033419.3); short protein forms L193V, L256V, L307V, L172V, L286V.
Identifiers: ClinVar variation 2056121 (VCV002056121.5), dbSNP rs769690688, ClinGen allele CA8533192.

ClinVar aggregate classification (germline): Uncertain significance. Review status: criteria provided, multiple submitters, no conflicts (2 of 4 stars). 2 submissions from 2 submitters: Uncertain significance (2). Last evaluated 2025-08-16.

Allele frequency attached by ClinVar (database versions not stated): ExAC 0.00001.
gnomAD v4.1: 1 of 1,614,140 alleles (0.000062%); highest among the groups gnomAD compares: Admixed American, 0.0017%; no homozygotes.

Submissions (2):

GeneDx
Classification: Uncertain significance. Last evaluated: 2025-08-16. Review status: criteria provided, single submitter. Criteria: GeneDx Variant Classification Process June 2021. Collection method: clinical testing. Allele origin: germline. Affected: yes.
Comment: Not observed at significant frequency in large population cohorts (gnomAD); In silico analysis suggests that this missense variant does not alter protein structure/function; Has not been previously published as pathogenic or benign to our knowledge

Labcorp Genetics (formerly Invitae), Labcorp
Classification: Uncertain significance. Last evaluated: 2022-06-11. Review status: criteria provided, single submitter. Criteria: Invitae Variant Classification Sherloc (09022015). Collection method: clinical testing. Allele origin: germline.
Comment: In summary, the available evidence is currently insufficient to determine the role of this variant in disease. Therefore, it has been classified as a Variant of Uncertain Significance. Algorithms developed to predict the effect of missense changes on protein structure and function are either unavailable or do not agree on the potential impact of this missense change (SIFT: "Tolerated"; PolyPhen-2: "Probably Damaging"; Align-GVGD: "Class C0"). This variant has not been reported in the literature in individuals affected with PGAP3-related conditions. This variant is present in population databases (rs769690688, gnomAD 0.003%). This sequence change replaces leucine, which is neutral and non-polar, with valine, which is neutral and non-polar, at codon 307 of the PGAP3 protein (p.Leu307Val).